The following is an entry in ClinVar:

ClinVar aggregate classification (germline): Conflicting classifications of pathogenicity. Review status: criteria provided, conflicting classifications (1 of 4 stars). 2 submissions from 2 submitters: Uncertain significance (1); Benign (1). Last evaluated 2026-04-06.

Conditions:
Ehlers-Danlos syndrome, classic type, 1 (EDSCL1). Also called: EHLERS-DANLOS SYNDROME, GRAVIS TYPE; EHLERS-DANLOS SYNDROME, SEVERE CLASSIC TYPE; Ehlers-Danlos Syndrome, Classic Type, COL5A1-Related; Ehlers-Danlos syndrome, type 1; EDS I. Identifiers: MedGen C0268335, MONDO:0019567, OMIM 130000.

gnomAD v4.1: 1 of 1,611,766 alleles (0.000062%); highest among the groups gnomAD compares: South Asian, 0.0011%; no homozygotes.

Submissions (2):

GeneDx
Classification: Uncertain significance. Last evaluated: 2026-04-06. Review status: criteria provided, single submitter. Criteria: GeneDx Variant Classification Process June 2021. Collection method: clinical testing. Allele origin: germline.
Comment: Not observed at significant frequency in large population cohorts (gnomAD); In silico analysis supports that this missense variant has a deleterious effect on protein structure/function; Has not been previously published as pathogenic or benign to our knowledge; This variant is associated with the following publications: (PMID: 22696272)

Labcorp Genetics (formerly Invitae), Labcorp
Classification: Benign for Ehlers-Danlos syndrome, classic type, 1. Last evaluated: 2024-06-17. Review status: criteria provided, single submitter. Criteria: Invitae Variant Classification Sherloc (09022015). Collection method: clinical testing. Allele origin: germline.

NM_000093.5(COL5A1):c.4378C>T (p.Pro1460Ser)

Gene: COL5A1 (collagen type V alpha 1 chain; plus strand). Cytogenetic location: 9q34.3.
Variant type: single nucleotide variant.
Coding change: c.4378C>T on transcript NM_000093.5 (MANE Select); coding-DNA position 4378, C replaced by T.
Protein change: p.Pro1460Ser; replaces proline 1460 with serine.
Molecular consequence: missense variant.
Genome position (GRCh38, 1-based): chr9:134,818,887, C>T. VCF-style: chr9-134818887-C-T. GRCh37 (hg19) VCF-style: chr9-137710733-C-T.
Other names: c.4378C>T, p.Pro1460Ser (NM_001278074.1); c.4378C>T (NM_000093.3); short protein forms P1460S.
Identifiers: ClinVar variation 1489347 (VCV001489347.7), dbSNP rs773125713, ClinGen allele CA375457431.
Genomic context (GRCh38, chr9:134,818,887, plus strand): 5'-CAGAGCGTCTCTGTGTTTCAGGGAGAACAAGGTCTCCCAGGATCCCCAGGCCCGGACGGT[C>T]CCCCCGGCCCCATGGTGAGTCACATTCCTCATGGTGAGCATAGCGGGTGGGATGACTTCG-3'
Protein context (NP_000084.3, residues 1450-1470): GLPGSPGPDG[Pro1460Ser]PGPMGPPGLP